The following is an entry in ClinVar:

ClinVar aggregate classification (germline): Uncertain significance. Review status: criteria provided, multiple submitters, no conflicts (2 of 4 stars). 2 submissions from 2 submitters: Uncertain significance (2). Last evaluated 2023-03-30.

Conditions:
Hypertrophic cardiomyopathy. Also called: HYPERTROPHIC MYOCARDIOPATHY. Identifiers: Orphanet 217569, MedGen C0007194, MeSH D002312, MONDO:0005045, HP:0001639.

Submissions (2):

GeneDx
Classification: Uncertain significance. Last evaluated: 2023-03-30. Review status: criteria provided, single submitter. Criteria: GeneDx Variant Classification Process June 2021. Collection method: clinical testing. Allele origin: germline. Affected: yes.
Comment: Has not been previously published as pathogenic or benign to our knowledge; Not observed at significant frequency in large population cohorts (gnomAD)

Labcorp Genetics (formerly Invitae), Labcorp
Classification: Uncertain significance for Hypertrophic cardiomyopathy. Last evaluated: 2022-08-23. Review status: criteria provided, single submitter. Criteria: Invitae Variant Classification Sherloc (09022015). Collection method: clinical testing. Allele origin: germline.
Comment: In summary, the available evidence is currently insufficient to determine the role of this variant in disease. Therefore, it has been classified as a Variant of Uncertain Significance. ClinVar contains an entry for this variant (Variation ID: 854804). This variant has not been reported in the literature in individuals affected with MYH7-related conditions. This variant is not present in population databases (gnomAD no frequency). This sequence change creates a premature translational stop signal (p.Ala426Glnfs*5) in the MYH7 gene. It is expected to result in an absent or disrupted protein product. However, the current clinical and genetic evidence is not sufficient to establish whether loss-of-function variants in MYH7 cause disease.

NM_000257.4(MYH7):c.1275_1282del (p.Ala426fs)

Gene: MYH7 (myosin heavy chain 7; minus strand). Cytogenetic location: 14q11.2.
Variant type: Deletion.
Coding change: c.1275_1282del on transcript NM_000257.4 (MANE Select); coding-DNA positions 1275 to 1282, 8 bases deleted (GGCACTGG; older notation c.1275_1282delGGCACTGG).
Protein change: p.Ala426fs; shifts the reading frame from alanine 426.
Molecular consequence: frameshift variant.
Genome position (GRCh38, 1-based): chr14:23,429,080-23,429,087, CCAGTGCC deleted on the plus strand (GGCACTGG on the coding strand, the reverse complement: MYH7 is on the minus strand); deleting any 8 consecutive bases within chr14:23,429,080-23,429,093 gives the same sequence; the c. name uses the placement nearest the transcript's 3' end. VCF-style (leftmost placement, unchanged base first): chr14-23429079-GCCAGTGCC-G. GRCh37 (hg19) VCF-style: chr14-23898288-GCCAGTGCC-G.
Other names: c.1275_1282del (NM_000257.2); short protein forms A426fs.
Identifiers: ClinVar variation 854804 (VCV000854804.8), dbSNP rs1892815450, ClinGen allele CA916081717.